The following is an entry in ClinVar:

NM_000388.4(CASR):c.448_449dup (p.Thr151fs)

Gene: CASR (calcium sensing receptor; plus strand). Cytogenetic location: 3q21.1.
Variant type: Microsatellite.
Coding change: c.448_449dup on transcript NM_000388.4 (MANE Select); coding-DNA positions 448 to 449, 2 bases duplicated (TC; older notation c.448_449dupTC).
Protein change: p.Thr151fs; shifts the reading frame from threonine 151.
Molecular consequence: frameshift variant.
Genome position (GRCh38, 1-based): chr3:122,257,343-122,257,344, TC duplicated; duplicating any 2 consecutive bases within chr3:122,257,341-122,257,344 gives the same sequence; the c. name uses the placement nearest the transcript's 3' end. VCF-style (leftmost placement, unchanged base first): chr3-122257340-G-GTC. GRCh37 (hg19) VCF-style: chr3-121976187-G-GTC.
Other names: c.448_449dup, p.Thr151fs (NM_001178065.2); short protein forms T151fs.
Identifiers: ClinVar variation 664654 (VCV000664654.7), dbSNP rs1576854561, ClinGen allele CA915941546.
Genomic context (GRCh38, chr3:122,257,340, plus strand): 5'-TGCAACTGCTCAGAGCACATTCCCTCTACGATTGCTGTGGTGGGAGCAACTGGCTCAGGC[G>GTC]TCTCCACGGCAGTGGCAAATCTGCTGGGGCTCTTCTACATTCCCCAGGTACTCAAGCCTT-3'

ClinVar aggregate classification (germline): Pathogenic (1 of 4 stars; one submission).

Conditions:
Familial hypocalciuric hypercalcemia (FHH). Also called: Familial benign hypercalcemia. Identifiers: Orphanet 405, MedGen C1809471, MONDO:0018458.
Autosomal dominant hypocalcemia 1 (HYPOC1). Also called: HYPOCALCEMIA, FAMILIAL. Identifiers: MedGen C3715128, MONDO:0011013, OMIM 601198.

Submission:

Labcorp Genetics (formerly Invitae), Labcorp
Classification: Pathogenic for Familial hypocalciuric hypercalcemia; Autosomal dominant hypocalcemia 1. Last evaluated: 2018-09-04. Review status: criteria provided, single submitter. Criteria: Invitae Variant Classification Sherloc (09022015). Collection method: clinical testing. Allele origin: germline.
Comment: For these reasons, this variant has been classified as Pathogenic. Loss-of-function variants in CASR are known to be pathogenic (PMID: 22422767). This variant has not been reported in the literature in individuals with CASR-related disease. This variant is not present in population databases (ExAC no frequency). This sequence change creates a premature translational stop signal (p.Thr151Profs*107) in the CASR gene. It is expected to result in an absent or disrupted protein product.

Literature cited by the submitters: PubMed 22422767.